The following is an entry in ClinVar:

NM_000719.7(CACNA1C):c.3803T>C (p.Leu1268Pro)

Gene: CACNA1C (calcium voltage-gated channel subunit alpha1 C; plus strand). Cytogenetic location: 12p13.33.
Variant type: single nucleotide variant.
Coding change: c.3803T>C on transcript NM_000719.7 (MANE Select); coding-DNA position 3803, T replaced by C.
Protein change: p.Leu1268Pro; replaces leucine 1268 with proline.
Molecular consequence: missense variant.
Genome position (GRCh38, 1-based): chr12:2,611,988, T>C. VCF-style: chr12-2611988-T-C. GRCh37 (hg19) VCF-style: chr12-2721154-T-C.
Other names: c.3863T>C, p.Leu1288Pro (NM_001129827.2, NM_001129832.2, NM_199460.4); c.3803T>C, p.Leu1268Pro (NM_001129829.2, NM_001129830.3, NM_001129831.2 and 15 more transcripts); c.3794T>C, p.Leu1265Pro (NM_001129844.2); short protein forms L1265P, L1268P, L1288P.
Identifiers: ClinVar variation 3365179 (VCV003365179.1).
Genomic context (GRCh38, chr12:2,611,988, plus strand): 5'-AAATCGCCATGAACATCCTCAACATGCTCTTCACTGGCCTCTTCACCGTGGAGATGATCC[T>C]GAAGCTCATTGCCTTCAAACCCAAGGTAGGCCTCTGAGAAAGACCTTTGATTCCCAGGCA-3'
Protein context (NP_000710.5, residues 1258-1278): FTGLFTVEMI[Leu1268Pro]KLIAFKPKHY

ClinVar aggregate classification (germline): Uncertain significance (1 of 4 stars; one submission).

Submission:

GeneDx
Classification: Uncertain significance. Last evaluated: 2023-12-01. Review status: criteria provided, single submitter. Criteria: GeneDx Variant Classification Process June 2021. Collection method: clinical testing. Allele origin: germline. Affected: yes.
Comment: Not observed at significant frequency in large population cohorts (gnomAD); In silico analysis supports that this missense variant has a deleterious effect on protein structure/function; Has not been previously published as pathogenic or benign to our knowledge